The following is an entry in ClinVar:

NM_000214.3(JAG1):c.439del (p.Gln147fs)

Gene: JAG1 (jagged canonical Notch ligand 1; minus strand). Cytogenetic location: 20p12.2.
Variant type: Deletion.
Coding change: c.439del on transcript NM_000214.3 (MANE Select); coding-DNA position 439, one base deleted (C; older notation c.439delC).
Protein change: p.Gln147fs; shifts the reading frame from glutamine 147.
Molecular consequence: frameshift variant.
Genome position (GRCh38, 1-based): chr20:10,663,963, G deleted on the plus strand (C on the coding strand, the reverse complement: JAG1 is on the minus strand). VCF-style (leftmost placement, unchanged base first): chr20-10663962-CG-C. GRCh37 (hg19) VCF-style: chr20-10644610-CG-C.
Other names: short protein forms Q147fs.
Identifiers: ClinVar variation 4994675 (VCV004994675.1).

ClinVar aggregate classification (germline): Likely pathogenic (1 of 4 stars; one submission).

Conditions:
JAG1-related disorder. Also called: JAG1-related disorders; JAG1-related condition.

Submission:

PreventionGenetics, part of Exact Sciences
Classification: Likely pathogenic for JAG1-related condition. Last evaluated: 2026-04-01. Review status: criteria provided, single submitter. Criteria: ACMG Guidelines, 2015. Collection method: clinical testing. Allele origin: germline.
Comment: The JAG1 c.439delC variant is predicted to result in a frameshift and premature protein termination (p.Gln147Asnfs*14). To our knowledge, this variant has not been reported in the literature or in a large population database (gnomAD), indicating this variant is rare. Frameshift variants in JAG1 are expected to be pathogenic. This variant is interpreted as likely pathogenic.